The following is an entry in ClinVar:

NM_152564.5(VPS13B):c.7718T>C (p.Phe2573Ser)

Gene: VPS13B (vacuolar protein sorting 13 homolog B; plus strand). Cytogenetic location: 8q22.2.
Variant type: single nucleotide variant.
Coding change: c.7718T>C on transcript NM_152564.5 (MANE Select); coding-DNA position 7718, T replaced by C.
Protein change: p.Phe2573Ser; replaces phenylalanine 2573 with serine.
Molecular consequence: missense variant.
Genome position (GRCh38, 1-based): chr8:99,778,970, T>C. VCF-style: chr8-99778970-T-C. GRCh37 (hg19) VCF-style: chr8-100791198-T-C.
Other names: c.7793T>C, p.Phe2598Ser (NM_017890.5); c.7718T>C (NM_152564.4); short protein forms F2598S, F2573S.
Identifiers: ClinVar variation 860518 (VCV000860518.10), dbSNP rs199528303, ClinGen allele CA4824276.

ClinVar aggregate classification (germline): Uncertain significance. Review status: criteria provided, multiple submitters, no conflicts (2 of 4 stars). 3 submissions from 3 submitters: Uncertain significance (2). 1 of the submissions does not count toward it. Last evaluated 2026-07-21.

Conditions:
Cohen syndrome (COH1). Also called: PEPPER SYNDROME; Cutis verticis gyrata, retinitis pigmentosa, and sensorineural deafness. Identifiers: Orphanet 193, MedGen C0265223, MONDO:0008999, OMIM 216550.
VPS13B-related disorder. Also called: VPS13B-related condition.

Allele frequency attached by ClinVar (database versions not stated): gnomAD exomes 0.00001 and 0.00002; ExAC 0.00002; gnomAD 0.00005 and 0.00006; TOPMed 0.00006; 1000 Genomes Project 0.00040; 1000 Genomes Project 30x 0.00047.
gnomAD v4.1: 16 of 1,613,934 alleles (0.00099%); highest among the groups gnomAD compares: African/African-American, 0.02%; no homozygotes.

Submissions (3):

PreventionGenetics, part of Exact Sciences
Classification: Uncertain significance for VPS13B-related condition. Last evaluated: 2026-07-21. Review status: criteria provided, single submitter. Criteria: ACMG Guidelines, 2015. Collection method: clinical testing. Allele origin: germline.
Comment: The VPS13B c.7718T>C variant is predicted to result in the amino acid substitution p.Phe2573Ser. To our knowledge, this variant has not been reported in the literature. This variant is reported in 0.018% of alleles in individuals of African descent in gnomAD. At this time, the clinical significance of this variant is uncertain due to the absence of conclusive functional and genetic evidence.

Labcorp Genetics (formerly Invitae), Labcorp
Classification: Uncertain significance for Cohen syndrome. Last evaluated: 2025-12-28. Review status: criteria provided, single submitter. Criteria: Invitae Variant Classification Sherloc (09022015). Collection method: clinical testing. Allele origin: germline.
Comment: This sequence change replaces phenylalanine, which is neutral and non-polar, with serine, which is neutral and polar, at codon 2598 of the VPS13B protein (p.Phe2598Ser). This variant is present in population databases (rs199528303, gnomAD 0.02%). This variant has not been reported in the literature in individuals affected with VPS13B-related conditions. ClinVar contains an entry for this variant (Variation ID: 860518). Invitae Evidence Modeling of protein sequence and biophysical properties (such as structural, functional, and spatial information, amino acid conservation, physicochemical variation, residue mobility, and thermodynamic stability) indicates that this missense variant is not expected to disrupt VPS13B protein function with a negative predictive value of 80%. In summary, the available evidence is currently insufficient to determine the role of this variant in disease. Therefore, it has been classified as a Variant of Uncertain Significance.

Natera, Inc.
Classification: Uncertain significance for Cohen syndrome. Last evaluated: 2020-03-21. Review status: no assertion criteria provided. Collection method: clinical testing. Allele origin: germline. Not counted in ClinVar's aggregate classification.